The following is an entry in ClinVar:

ClinVar aggregate classification (germline): Uncertain significance. Review status: criteria provided, multiple submitters, no conflicts (2 of 4 stars). 3 submissions from 3 submitters: Uncertain significance (3). Last evaluated 2025-07-06.

Conditions:
Inborn genetic diseases. Identifiers: MedGen C0950123, MeSH D030342.

Allele frequency attached by ClinVar (database versions not stated): ExAC 0.00001; gnomAD exomes 0.00001; TOPMed 0.00002.
gnomAD v4.1: 7 of 1,544,308 alleles (0.00045%); highest among the groups gnomAD compares: East Asian, 0.0026%; no homozygotes.

Submissions (3):

Labcorp Genetics (formerly Invitae), Labcorp
Classification: Uncertain significance. Last evaluated: 2025-07-06. Review status: criteria provided, single submitter. Criteria: Invitae Variant Classification Sherloc (09022015). Collection method: clinical testing. Allele origin: germline.
Comment: This sequence change replaces valine, which is neutral and non-polar, with isoleucine, which is neutral and non-polar, at codon 6 of the MRAS protein (p.Val6Ile). The frequency data for this variant in the population databases is considered unreliable, as metrics indicate poor data quality at this position in the gnomAD database. This variant has not been reported in the literature in individuals affected with MRAS-related conditions. ClinVar contains an entry for this variant (Variation ID: 1413231). An algorithm developed to predict the effect of missense changes on protein structure and function (PolyPhen-2) suggests that this variant is likely to be tolerated. In summary, the available evidence is currently insufficient to determine the role of this variant in disease. Therefore, it has been classified as a Variant of Uncertain Significance.

Ambry Genetics
Classification: Uncertain significance for Inborn genetic diseases. Last evaluated: 2024-01-03. Review status: criteria provided, single submitter. Criteria: Ambry Variant Classification Scheme 2023. Collection method: clinical testing. Allele origin: germline.

Women's Health and Genetics/Laboratory Corporation of America, LabCorp
Classification: Uncertain significance. Last evaluated: 2023-11-22. Review status: criteria provided, single submitter. Criteria: LabCorp Variant Classification Summary - May 2015. Collection method: clinical testing. Allele origin: germline.
Comment: Variant summary: MRAS c.16G>A (p.Val6Ile) results in a conservative amino acid change in the encoded protein sequence. Four of five in-silico tools predict a benign effect of the variant on protein function. The variant allele was found at a frequency of 1e-05 in 191952 control chromosomes. The available data on variant occurrences in the general population are insufficient to allow any conclusion about variant significance. To our knowledge, no occurrence of c.16G>A in individuals affected with Noonan Syndrome And Related Conditions and no experimental evidence demonstrating its impact on protein function have been reported. Two submitters have cited clinical-significance assessments for this variant to ClinVar after 2014. All submitters classified the variant as uncertain significance. Based on the evidence outlined above, the variant was classified as uncertain significance.

NM_001085049.3(MRAS):c.16G>A (p.Val6Ile)

Gene: MRAS (muscle RAS oncogene homolog; plus strand). Cytogenetic location: 3q22.3.
Variant type: single nucleotide variant.
Coding change: c.16G>A on transcript NM_001085049.3 (MANE Select); coding-DNA position 16, G replaced by A.
Protein change: p.Val6Ile; replaces valine 6 with isoleucine.
Molecular consequence: missense variant. On other transcripts: intron variant (3).
Genome position (GRCh38, 1-based): chr3:138,372,899, G>A. VCF-style: chr3-138372899-G-A. GRCh37 (hg19) VCF-style: chr3-138091741-G-A.
Other names: c.16G>A, p.Val6Ile (NM_001252090.2, NM_012219.4); c.-35-24425G>A (NM_001252091.1); c.-36+24132G>A (NM_001252093.2); c.-36+23867G>A (NM_001252092.2); short protein forms V6I.
Identifiers: ClinVar variation 1413231 (VCV001413231.11), dbSNP rs778102030, ClinGen allele CA2636917.
Genomic context (GRCh38, chr3:138,372,899, plus strand): 5'-CTCATTCCACATGTCTTGCTGCCGCAGGTCTGACCTACGAGAAACATGGCAACCAGCGCC[G>A]TCCCCAGTGACAACCTCCCCACATACAAGCTGGTGGTGGTGGGGGATGGGGGTGTGGGCA-3'
Protein context (NP_001078518.1, residues 1-16): MATSA[Val6Ile]PSDNLPTYKL